The following is an entry in ClinVar:

ClinVar aggregate classification (germline): Conflicting classifications of pathogenicity. Review status: criteria provided, conflicting classifications (1 of 4 stars). 3 submissions from 3 submitters: Uncertain significance (2); Likely benign (1). Last evaluated 2026-09-01.

Conditions:
Kabuki syndrome 1 (KABUK1). Also called: KMT2D-Related Kabuki Syndrome. Identifiers: Orphanet 2322, MedGen CN030661, MONDO:0007843, OMIM 147920.
Choanal atresia-athelia-hypothyroidism-delayed puberty-short stature syndrome (BCAHH). Also called: BRANCHIAL ARCH ABNORMALITIES, CHOANAL ATRESIA, ATHELIA, HEARING LOSS, AND HYPOTHYROIDISM SYNDROME. Identifiers: Orphanet 589856, MedGen C5680310, MONDO:0035651, OMIM 620186.
Kabuki syndrome. Also called: Kabuki make-up syndrome; NIIKAWA-KUROKI SYNDROME. Identifiers: Orphanet 2322, MedGen C0796004, MONDO:0016512.

Submissions (3):

CeGaT Center for Human Genetics Tuebingen
Classification: Likely benign. Last evaluated: 2026-09-01. Review status: criteria provided, single submitter. Criteria: CeGaT Center For Human Genetics Tuebingen Variant Classification Criteria Version 2. Collection method: clinical testing. Allele origin: germline. Affected: yes. Observed: 2 variant alleles.
Comment: KMT2D: BP4

Fulgent Genetics
Classification: Uncertain significance for Kabuki syndrome 1; Choanal atresia-athelia-hypothyroidism-delayed puberty-short stature syndrome. Last evaluated: 2024-04-12. Review status: criteria provided, single submitter. Criteria: ACMG Guidelines, 2015. Collection method: clinical testing. Allele origin: germline.

Labcorp Genetics (formerly Invitae), Labcorp
Classification: Uncertain significance for Kabuki syndrome. Last evaluated: 2024-02-26. Review status: criteria provided, single submitter. Criteria: Invitae Variant Classification Sherloc (09022015). Collection method: clinical testing. Allele origin: germline.
Comment: This sequence change replaces glutamine, which is neutral and polar, with glutamic acid, which is acidic and polar, at codon 3679 of the KMT2D protein (p.Gln3679Glu). This variant is not present in population databases (gnomAD no frequency). This variant has not been reported in the literature in individuals affected with KMT2D-related conditions. Advanced modeling of protein sequence and biophysical properties (such as structural, functional, and spatial information, amino acid conservation, physicochemical variation, residue mobility, and thermodynamic stability) performed at Invitae indicates that this missense variant is not expected to disrupt KMT2D protein function with a negative predictive value of 95%. In summary, the available evidence is currently insufficient to determine the role of this variant in disease. Therefore, it has been classified as a Variant of Uncertain Significance.

NM_003482.4(KMT2D):c.11035C>G (p.Gln3679Glu)

Gene: KMT2D (lysine methyltransferase 2D; minus strand). Cytogenetic location: 12q13.12.
Variant type: single nucleotide variant.
Coding change: c.11035C>G on transcript NM_003482.4 (MANE Select); coding-DNA position 11035, C replaced by G.
Protein change: p.Gln3679Glu; replaces glutamine 3679 with glutamic acid.
Molecular consequence: missense variant.
Genome position (GRCh38, 1-based): chr12:49,033,670, G>C on the plus strand (C>G on the coding strand, the complement: KMT2D is on the minus strand). VCF-style: chr12-49033670-G-C. GRCh37 (hg19) VCF-style: chr12-49427453-G-C.
Other names: short protein forms Q3679E.
Identifiers: ClinVar variation 3574712 (VCV003574712.9).